The following is an entry in ClinVar:

ClinVar aggregate classification (germline): Uncertain significance. Review status: criteria provided, multiple submitters, no conflicts (2 of 4 stars). 2 submissions from 2 submitters: Uncertain significance (2). Last evaluated 2025-05-01.

Conditions:
Inborn genetic diseases. Identifiers: MedGen C0950123, MeSH D030342.

Allele frequency attached by ClinVar (database versions not stated): gnomAD exomes below 0.00001; TOPMed 0.00003.
gnomAD v4.1: 2 of 1,614,232 alleles (0.00012%); highest among the groups gnomAD compares: Non-Finnish European, 0.000085%; no homozygotes.

Submissions (2):

Ambry Genetics
Classification: Uncertain significance for Inborn genetic diseases. Last evaluated: 2025-05-01. Review status: criteria provided, single submitter. Criteria: Ambry Variant Classification Scheme 2023. Collection method: clinical testing. Allele origin: germline.

Labcorp Genetics (formerly Invitae), Labcorp
Classification: Uncertain significance. Last evaluated: 2021-07-17. Review status: criteria provided, single submitter. Criteria: Invitae Variant Classification Sherloc (09022015). Collection method: clinical testing. Allele origin: germline.
Comment: In summary, the available evidence is currently insufficient to determine the role of this variant in disease. Therefore, it has been classified as a Variant of Uncertain Significance. Algorithms developed to predict the effect of missense changes on protein structure and function are either unavailable or do not agree on the potential impact of this missense change (SIFT: "Not Available"; PolyPhen-2: "Probably Damaging"; Align-GVGD: "Not Available"). This variant has not been reported in the literature in individuals affected with PISD-related conditions. This variant is not present in population databases (ExAC no frequency). This sequence change replaces glycine with arginine at codon 397 of the PISD protein (p.Gly397Arg). The glycine residue is highly conserved and there is a moderate physicochemical difference between glycine and arginine.

NM_001326411.2(PISD):c.1189G>A (p.Gly397Arg)

Gene: PISD (phosphatidylserine decarboxylase; minus strand). Cytogenetic location: 22q12.2.
Variant type: single nucleotide variant.
Coding change: c.1189G>A on transcript NM_001326411.2 (MANE Select); coding-DNA position 1189, G replaced by A.
Protein change: p.Gly397Arg; replaces glycine 397 with arginine.
Molecular consequence: missense variant. On other transcripts: 3 prime UTR variant (1).
Genome position (GRCh38, 1-based): chr22:31,619,653, C>T on the plus strand (G>A on the coding strand, the complement: PISD is on the minus strand). VCF-style: chr22-31619653-C-T. GRCh37 (hg19) VCF-style: chr22-32015639-C-T.
Other names: c.1126G>A, p.Gly376Arg (NM_001326412.1, NM_001326413.2, NM_001326414.2); c.1087G>A, p.Gly363Arg (NM_001326415.2, NM_001326416.2, NM_001326417.2 and 2 more transcripts); c.1009G>A, p.Gly337Arg (NM_001326418.2); c.973G>A, p.Gly325Arg (NM_001326419.2); c.895G>A, p.Gly299Arg (NM_001326420.2); c.*137G>A (NM_001326421.1); c.1087G>A (NM_014338.3); short protein forms G363R, G376R, G299R, G325R, G337R, G397R.
Identifiers: ClinVar variation 1347839 (VCV001347839.8), dbSNP rs981561358, ClinGen allele CA323305595.